The following is an entry in ClinVar:

ClinVar aggregate classification (germline): Uncertain significance (1 of 4 stars; one submission).

Conditions:
Aortic aneurysm, familial thoracic 7 (AAT7). Also called: AORTIC DISSECTION, FAMILIAL, WITH OR WITHOUT AORTIC ANEURYSM. Identifiers: MedGen C3151077, MONDO:0013418, OMIM 613780.

Submission:

Labcorp Genetics (formerly Invitae), Labcorp
Classification: Uncertain significance for Aortic aneurysm, familial thoracic 7. Last evaluated: 2023-09-10. Review status: criteria provided, single submitter. Criteria: Invitae Variant Classification Sherloc (09022015). Collection method: clinical testing. Allele origin: germline.
Comment: In summary, the available evidence is currently insufficient to determine the role of this variant in disease. Therefore, it has been classified as a Variant of Uncertain Significance. Advanced modeling of protein sequence and biophysical properties (such as structural, functional, and spatial information, amino acid conservation, physicochemical variation, residue mobility, and thermodynamic stability) performed at Invitae indicates that this missense variant is not expected to disrupt MYLK protein function. This variant has not been reported in the literature in individuals affected with MYLK-related conditions. This variant is not present in population databases (gnomAD no frequency). This sequence change replaces proline, which is neutral and non-polar, with threonine, which is neutral and polar, at codon 652 of the MYLK protein (p.Pro652Thr).

NM_053025.4(MYLK):c.1954C>A (p.Pro652Thr)

Gene: MYLK (myosin light chain kinase; minus strand). Cytogenetic location: 3q21.1.
Variant type: single nucleotide variant.
Coding change: c.1954C>A on transcript NM_053025.4 (MANE Select); coding-DNA position 1954, C replaced by A.
Protein change: p.Pro652Thr; replaces proline 652 with threonine.
Molecular consequence: missense variant.
Genome position (GRCh38, 1-based): chr3:123,708,884, G>T on the plus strand (C>A on the coding strand, the complement: MYLK is on the minus strand). VCF-style: chr3-123708884-G-T. GRCh37 (hg19) VCF-style: chr3-123427731-G-T.
Other names: c.1426C>A, p.Pro476Thr (NM_001321309.2); c.1747C>A, p.Pro583Thr (NM_053026.4, NM_053028.4); c.1954C>A, p.Pro652Thr (NM_053027.4); short protein forms P583T, P652T, P476T.
Identifiers: ClinVar variation 2905741 (VCV002905741.3), dbSNP rs750686734, ClinGen allele CA354234589.